The following is an entry in ClinVar:

ClinVar aggregate classification (germline): Uncertain significance (1 of 4 stars; one submission).

Allele frequency attached by ClinVar (database versions not stated): gnomAD exomes below 0.00001.
gnomAD v4.1: 2 of 1,613,936 alleles (0.00012%); highest among the groups gnomAD compares: Non-Finnish European, 0.00017%; no homozygotes.

Submission:

Labcorp Genetics (formerly Invitae), Labcorp
Classification: Uncertain significance. Last evaluated: 2021-09-26. Review status: criteria provided, single submitter. Criteria: Invitae Variant Classification Sherloc (09022015). Collection method: clinical testing. Allele origin: germline.
Comment: This variant is not present in population databases (ExAC no frequency). This sequence change replaces aspartic acid with glutamic acid at codon 4635 of the KMT2C protein (p.Asp4635Glu). The aspartic acid residue is highly conserved and there is a small physicochemical difference between aspartic acid and glutamic acid. This variant has not been reported in the literature in individuals affected with KMT2C-related conditions. In summary, the available evidence is currently insufficient to determine the role of this variant in disease. Therefore, it has been classified as a Variant of Uncertain Significance. Algorithms developed to predict the effect of missense changes on protein structure and function (SIFT, PolyPhen-2, Align-GVGD) all suggest that this variant is likely to be tolerated.

NM_170606.3(KMT2C):c.13905T>A (p.Asp4635Glu)

Gene: KMT2C (lysine methyltransferase 2C; minus strand). Cytogenetic location: 7q36.1.
Variant type: single nucleotide variant.
Coding change: c.13905T>A on transcript NM_170606.3 (MANE Select); coding-DNA position 13905, T replaced by A.
Protein change: p.Asp4635Glu; replaces aspartic acid 4635 with glutamic acid.
Molecular consequence: missense variant.
Genome position (GRCh38, 1-based): chr7:152,146,725, A>T on the plus strand (T>A on the coding strand, the complement: KMT2C is on the minus strand). VCF-style: chr7-152146725-A-T. GRCh37 (hg19) VCF-style: chr7-151843810-A-T.
Other names: short protein forms D4635E.
Identifiers: ClinVar variation 1507718 (VCV001507718.6), dbSNP rs2129094074, ClinGen allele CA370088944.